The following is an entry in ClinVar:

NM_001029896.2(WDR45):c.267G>C (p.Lys89Asn)

Gene: WDR45 (WD repeat domain 45; minus strand). Cytogenetic location: Xp11.23.
Variant type: single nucleotide variant.
Coding change: c.267G>C on transcript NM_001029896.2 (MANE Select); coding-DNA position 267, G replaced by C.
Protein change: p.Lys89Asn; replaces lysine 89 with asparagine.
Molecular consequence: missense variant.
Genome position (GRCh38, 1-based): chrX:49,076,719, C>G on the plus strand (G>C on the coding strand, the complement: WDR45 is on the minus strand). VCF-style: chrX-49076719-C-G. GRCh37 (hg19) VCF-style: chrX-48934378-C-G.
Other names: c.270G>C, p.Lys90Asn (NM_007075.4); short protein forms K90N, K89N.
Identifiers: ClinVar variation 473120 (VCV000473120.8), dbSNP rs1557084325, ClinGen allele CA412948487.

ClinVar aggregate classification (germline): Uncertain significance (1 of 4 stars; one submission).

Conditions:
Neurodegeneration with brain iron accumulation 5 (NBIA5). Also called: Beta-propeller protein-associated neurodegeneration; STATIC ENCEPHALOPATHY OF CHILDHOOD WITH NEURODEGENERATION IN ADULTHOOD. Identifiers: Orphanet 329284, MedGen C3550973, MONDO:0010476, OMIM 300894.

Submission:

Labcorp Genetics (formerly Invitae), Labcorp
Classification: Uncertain significance for Neurodegeneration with brain iron accumulation 5. Last evaluated: 2017-05-15. Review status: criteria provided, single submitter. Criteria: Invitae Variant Classification Sherloc (09022015). Collection method: clinical testing. Allele origin: germline.
Comment: This sequence change replaces lysine with asparagine at codon 90 of the WDR45 protein (p.Lys90Asn). The lysine residue is moderately conserved and there is a moderate physicochemical difference between lysine and asparagine. This variant is not present in population databases (ExAC no frequency) and has not been reported in the literature in individuals with a WDR45-related disease. Algorithms developed to predict the effect of missense changes on protein structure and function do not agree on the potential impact of this missense change (SIFT: "Deleterious"; PolyPhen-2: "Benign"; Align-GVGD: "Class C0"). In summary, this variant is a novel missense change with uncertain impact on protein function. It has been classified as a Variant of Uncertain Significance.